The following is an entry in ClinVar:

ClinVar aggregate classification (germline): Uncertain significance (1 of 4 stars; one submission).

Conditions:
Primary ciliary dyskinesia. Also called: Ciliary dyskinesia. Identifiers: Orphanet 244, MedGen C0008780, MONDO:0016575, HP:0012265.

Submission:

Labcorp Genetics (formerly Invitae), Labcorp
Classification: Uncertain significance for Primary ciliary dyskinesia. Last evaluated: 2025-05-06. Review status: criteria provided, single submitter. Criteria: Invitae Variant Classification Sherloc (09022015). Collection method: clinical testing. Allele origin: germline.
Comment: This sequence change replaces aspartic acid, which is acidic and polar, with asparagine, which is neutral and polar, at codon 3320 of the DNAH8 protein (p.Asp3320Asn). This variant is not present in population databases (gnomAD no frequency). This variant has not been reported in the literature in individuals affected with DNAH8-related conditions. Invitae Evidence Modeling of protein sequence and biophysical properties (such as structural, functional, and spatial information, amino acid conservation, physicochemical variation, residue mobility, and thermodynamic stability) indicates that this missense variant is not expected to disrupt DNAH8 protein function with a negative predictive value of 80%. In summary, the available evidence is currently insufficient to determine the role of this variant in disease. Therefore, it has been classified as a Variant of Uncertain Significance.

NM_001206927.2(DNAH8):c.9958G>A (p.Asp3320Asn)

Genes: DNAH8 (dynein axonemal heavy chain 8; plus strand), DNAH8-AS1 (DNAH8 antisense RNA 1; minus strand). Cytogenetic location: 6p21.2.
Variant type: single nucleotide variant.
Coding change: c.9958G>A on transcript NM_001206927.2 (MANE Select); coding-DNA position 9958, G replaced by A.
Protein change: p.Asp3320Asn; replaces aspartic acid 3320 with asparagine.
Molecular consequence: missense variant.
Genome position (GRCh38, 1-based): chr6:38,913,947, G>A. VCF-style: chr6-38913947-G-A. GRCh37 (hg19) VCF-style: chr6-38881723-G-A.
Other names: c.9307G>A, p.Asp3103Asn (NM_001371.4); short protein forms D3320N, D3103N.
Identifiers: ClinVar variation 4769999 (VCV004769999.1).
Genomic context (GRCh38, chr6:38,913,947, plus strand): 5'-AAACTCTCTCAGGATCTTGCAGTCAAGGAGAAGGAGTTGGCAGTGGCTTCCATAAAAGCA[G>A]ACGAAGTGAGTTTGCATTTATTTTATCACTGATGAGGAATATTTTTCCATATTAAAATGC-3'
Protein context (NP_001193856.1, residues 3310-3330): KELAVASIKA[Asp3320Asn]EVLAEVTVSA